The following is an entry in ClinVar:

ClinVar aggregate classification (germline): Uncertain significance (1 of 4 stars; one submission).

Submission:

Labcorp Genetics (formerly Invitae), Labcorp
Classification: Uncertain significance. Last evaluated: 2021-09-27. Review status: criteria provided, single submitter. Criteria: Invitae Variant Classification Sherloc (09022015). Collection method: clinical testing. Allele origin: germline.
Comment: In summary, the available evidence is currently insufficient to determine the role of this variant in disease. Therefore, it has been classified as a Variant of Uncertain Significance. Algorithms developed to predict the effect of missense changes on protein structure and function are either unavailable or do not agree on the potential impact of this missense change (SIFT: "Tolerated"; PolyPhen-2: "Possibly Damaging"; Align-GVGD: "Class C0"). This variant has not been reported in the literature in individuals affected with POLE-related conditions. This variant is not present in population databases (ExAC no frequency). This sequence change replaces threonine with serine at codon 308 of the POLE protein (p.Thr308Ser). The threonine residue is highly conserved and there is a small physicochemical difference between threonine and serine.

NM_006231.4(POLE):c.923C>G (p.Thr308Ser)

Gene: POLE (DNA polymerase epsilon, catalytic subunit; minus strand). Cytogenetic location: 12q24.33.
Variant type: single nucleotide variant.
Coding change: c.923C>G on transcript NM_006231.4 (MANE Select); coding-DNA position 923, C replaced by G.
Protein change: p.Thr308Ser; replaces threonine 308 with serine.
Molecular consequence: missense variant.
Genome position (GRCh38, 1-based): chr12:132,676,191, G>C on the plus strand (C>G on the coding strand, the complement: POLE is on the minus strand). VCF-style: chr12-132676191-G-C. GRCh37 (hg19) VCF-style: chr12-133252777-G-C.
Other names: short protein forms T308S.
Identifiers: ClinVar variation 1383422 (VCV001383422.6), dbSNP rs2136014068, ClinGen allele CA387363941.